The following is an entry in ClinVar:

NM_173660.5(DOK7):c.331+1G>T

Gene: DOK7 (docking protein 7; plus strand). Cytogenetic location: 4p16.3.
Variant type: single nucleotide variant.
Coding change: c.331+1G>T on transcript NM_173660.5 (MANE Select); the canonical splice donor site of the intron after coding-DNA position 331, G replaced by T.
Molecular consequence: splice donor variant. On other transcripts: intron variant (1).
Genome position (GRCh38, 1-based): chr4:3,473,637, G>T. VCF-style: chr4-3473637-G-T. GRCh37 (hg19) VCF-style: chr4-3475364-G-T.
Other names: IVS3DS, G-T, +1; c.331+1G>T (NM_001301071.2, NM_001164673.2); c.100+10086G>T (NM_001363811.2).
Identifiers: ClinVar variation 449547 (VCV000449547.16), dbSNP rs1349476281, ClinGen allele CA356113804.
Genomic context (GRCh38, chr4:3,473,637, plus strand): 5'-TTGACAGCCACGAGGCCATGTGTGCGTGGGATGCCCGGATCCGCTATGCGCTCGGCGAGG[G>T]TGAGTGACGGGGGCCGGGGCCGGGCGGGGGCTCCCCGTTCAGGTGTGCCGGGGCCCCTCA-3'

ClinVar aggregate classification (germline): Pathogenic. Review status: criteria provided, multiple submitters, no conflicts (2 of 4 stars). 9 submissions from 8 submitters: Pathogenic (7). 2 of the submissions do not count toward it. Last evaluated 2025-05-20.

Conditions:
Fetal akinesia deformation sequence 3. Identifiers: MedGen C4760599, MONDO:0100103, OMIM 618389.
DOK7-related disorder. Also called: DOK7-related condition.
Congenital myasthenic syndrome 10. Also called: Myasthenia, limb-girdle, familial. Identifiers: Orphanet 590, MedGen C1850792, MONDO:0009690, OMIM 254300.
Fetal akinesia deformation sequence 1 (FADS1). Also called: Pena-Shokeir syndrome type I; Fetal akinesia sequence. Identifiers: Orphanet 994, MedGen C1276035, MONDO:0100101, OMIM 208150, HP:0001989.
Congenital myasthenic syndrome (CMS). Also called: Congenital Myasthenic Syndromes. Identifiers: Orphanet 590, MedGen C0751882, MeSH D020294, MONDO:0018940.

Allele frequency attached by ClinVar (database versions not stated): gnomAD exomes 0.00001.
gnomAD v4.1: 5 of 1,558,034 alleles (0.00032%); highest among the groups gnomAD compares: South Asian, 0.0012%; no homozygotes.

Submissions (9):

GeneDx
Classification: Pathogenic. Last evaluated: 2025-05-20. Review status: criteria provided, single submitter. Criteria: GeneDx Variant Classification Process June 2021. Collection method: clinical testing. Allele origin: germline. Affected: yes.
Comment: Observed with a second variant in DOK7 in unrelated patients with congenital myasthenia referred for testing at GeneDx and in published literature (PMID: 18626973, 37721175); Published functional studies demonstrate a damaging effect (PMID: 18626973); Canonical splice site variant predicted to result in an in-frame loss of the adjacent exon in a gene for which loss of function is a known mechanism of disease; Not observed at significant frequency in large population cohorts (gnomAD); This variant is associated with the following publications: (PMID: 25525159, 22482962, 20012313, 20603078, 26198629, 37721175, 37849383, 19261599, 18626973)

Mayo Clinic Laboratories, Mayo Clinic
Classification: Pathogenic. Last evaluated: 2024-04-05. Review status: criteria provided, single submitter. Criteria: ACMG Guidelines, 2015. Collection method: clinical testing. Allele origin: germline. Observed: 3 variant alleles.
Comment: PP4, PM2_moderate, PM3, PS3, PS4_moderate, PVS1_strong

Labcorp Genetics (formerly Invitae), Labcorp
Classification: Pathogenic for Congenital myasthenic syndrome 10; Fetal akinesia deformation sequence 1. Last evaluated: 2024-02-16. Review status: criteria provided, single submitter. Criteria: Invitae Variant Classification Sherloc (09022015). Collection method: clinical testing. Allele origin: germline.
Comment: This sequence change affects a donor splice site in intron 3 of the DOK7 gene. It is expected to disrupt RNA splicing. Variants that disrupt the donor or acceptor splice site typically lead to a loss of protein function (PMID: 16199547), and loss-of-function variants in DOK7 are known to be pathogenic (PMID: 16794080, 16917026, 18626973, 19261599). The frequency data for this variant in the population databases is considered unreliable, as metrics indicate poor data quality at this position in the gnomAD database. Disruption of this splice site has been observed in individual(s) with DOK7-related conditions (PMID: 18626973, 19261599). In at least one individual the data is consistent with being in trans (on the opposite chromosome) from a pathogenic variant. ClinVar contains an entry for this variant (Variation ID: 449547). Algorithms developed to predict the effect of variants on protein structure and function are not available or were not evaluated for this variant. Experimental studies have shown that disruption of this splice site affects DOK7 function (PMID: 18626973). Algorithms developed to predict the effect of sequence changes on RNA splicing suggest that this variant may disrupt the consensus splice site. For these reasons, this variant has been classified as Pathogenic.

Women's Health and Genetics/Laboratory Corporation of America, LabCorp
Classification: Pathogenic for Congenital myasthenic syndrome. Last evaluated: 2023-11-13. Review status: criteria provided, single submitter. Criteria: LabCorp Variant Classification Summary - May 2015. Collection method: clinical testing. Allele origin: germline.
Comment: Variant summary: DOK7 c.331+1G>T is located in a canonical splice-site and is predicted to affect mRNA splicing resulting in a significantly altered protein due to exon skipping. At least one publication reports experimental evidence that this variant affects mRNA splicing by skipping exon 3 and the resultant in-frame muatant DOK7 failed to phosphorylate MuSK in HEK cells (Selcen_2008). The variant allele was found at a frequency of 1.1e-05 in 181712 control chromosomes. c.331+1G>T has been reported in the literature in multiple individuals affected with lethal Fetal akinesia deformation sequence syndrome or Myasthenic Syndrome (examples, Vogt_2009, Selcen_2008). These data indicate that the variant is very likely to be associated with disease. The following publications have been ascertained in the context of this evaluation (PMID: 18626973, 19261599). Two submitters have cited clinical-significance assessments for this variant to ClinVar after 2014. Both submitters classified the variant as pathogenic. Based on the evidence outlined above, the variant was classified as pathogenic.

Baylor Genetics
Classification: Pathogenic for Fetal akinesia deformation sequence 3. Last evaluated: 2023-09-12. Review status: criteria provided, single submitter. Criteria: ACMG Guidelines, 2015. Collection method: clinical testing. Allele origin: unknown.

PreventionGenetics, part of Exact Sciences
Classification: Pathogenic for DOK7-related condition. Last evaluated: 2023-07-20. Review status: criteria provided, single submitter. Criteria: ACMG Guidelines, 2015. Collection method: clinical testing. Allele origin: germline.
Comment: The DOK7 c.331+1G>T variant is predicted to disrupt the GT donor site and interfere with normal splicing. This variant has been reported in patients with autosomal recessive congenital myasthenic syndrome (Selcen et al. 2008. PubMed ID: 18626973) and fetal akinesia deformation sequence (Vogt et al. 2009. PubMed ID: 19261599). This variant is reported in 0.0026% of alleles in individuals of European (Non-Finnish) descent in gnomAD. In summary, the c.331+1G>T variant is categorized as pathogenic for recessive DOK7-related disorders.

Genetic Services Laboratory, University of Chicago
Classification: Pathogenic. Last evaluated: 2017-08-31. Review status: criteria provided, single submitter. Criteria: ACMG Guidelines, 2015. Collection method: clinical testing. Allele origin: germline. Affected: yes.

OMIM
Classification: Pathogenic for MYASTHENIC SYNDROME, CONGENITAL, 10. Last evaluated: 2009-05-01. Review status: no assertion criteria provided. Collection method: literature only. Allele origin: germline. Not counted in ClinVar's aggregate classification.

OMIM
Classification: Pathogenic for FETAL AKINESIA DEFORMATION SEQUENCE 3. Last evaluated: 2009-05-01. Review status: no assertion criteria provided. Collection method: literature only. Allele origin: germline. Not counted in ClinVar's aggregate classification.

Literature cited by the submitters: PubMed 18626973 (cited by 4 submitters); PubMed 19261599 (cited by 4 submitters); PubMed 37721175 (cited by Mayo Clinic Laboratories, Mayo Clinic); PubMed 16199547 (cited by Labcorp Genetics (formerly Invitae), Labcorp); PubMed 16794080 (cited by Labcorp Genetics (formerly Invitae), Labcorp); PubMed 16917026 (cited by Labcorp Genetics (formerly Invitae), Labcorp).